The following is an entry in ClinVar:

NM_005188.4(CBL):c.1193A>C (p.His398Pro)

Gene: CBL (Cbl proto-oncogene; plus strand). Cytogenetic location: 11q23.3.
Variant type: single nucleotide variant.
Coding change: c.1193A>C on transcript NM_005188.4 (MANE Select); coding-DNA position 1193, A replaced by C.
Protein change: p.His398Pro; replaces histidine 398 with proline.
Molecular consequence: missense variant.
Genome position (GRCh38, 1-based): chr11:119,278,263, A>C. VCF-style: chr11-119278263-A-C. GRCh37 (hg19) VCF-style: chr11-119148973-A-C.
Other names: short protein forms H398P.
Identifiers: ClinVar variation 880137 (VCV000880137.5), dbSNP rs1303812580, ClinGen allele CA382912753.

ClinVar aggregate classification (germline): Uncertain significance (1 of 4 stars; one submission).
ClinVar aggregate classification (somatic clinical impact): Tier II - Potential (1 of 4 stars; one submission).

Conditions:
CBL-related disorder. Also called: NOONAN SYNDROME-LIKE DISORDER WITHOUT JUVENILE MYELOMONOCYTIC LEUKEMIA; CBL MUTATION-ASSOCIATED SYNDROME; CBL SYNDROME. Identifiers: Orphanet 363972, MedGen C3150803, MONDO:0013308, OMIM 613563.
Diffuse midline glioma, H3 K27M-mutant. Identifiers: MedGen C4289688, MONDO:0957196.

Allele frequency attached by ClinVar (database versions not stated): TOPMed below 0.00001; gnomAD 0.00001.
gnomAD v4.1: 3 of 1,613,834 alleles (0.00019%); highest among the groups gnomAD compares: Non-Finnish European, 0.00017%; no homozygotes.

Submissions (2):

Institute for Genomic Medicine (IGM) Clinical Laboratory, Nationwide Children's Hospital
Classification: Tier II - Potential for Diffuse midline glioma, H3 K27M-mutant. Assertion type: diagnostic. Clinical significance: supports diagnosis. Last evaluated: 2023-10-16. Review status: criteria provided, single submitter. Criteria: AMP/ASCO/CAP Guidelines, 2017. Collection method: clinical testing. Allele origin: somatic. Affected: yes.
Comment: Variant has Tier II (potential) clinical significance as a diagnostic inclusion criterion in diffuse midline glioma, H3 K27M-mutant, based on the following evidence: 1) Documented in one or more cancer databases (e.g., St. Jude Pecan, COSMIC, CIViC, OncoKB). 2) Information in the literature supports potential biologic effect of variant (PMID: 26676746). 3) Assists in diagnosis alone or along with other biomarkers based on small studies or few case reports (Evidence Level D; PMIDs: 20126411, 22733026, 27244893, 35159106).

Illumina Laboratory Services, Illumina
Classification: Uncertain significance for CBL-related disorder. Last evaluated: 2018-01-13. Review status: criteria provided, single submitter. Criteria: ICSL Variant Classification Criteria 13 December 2019. Collection method: clinical testing. Allele origin: germline.

Literature cited by the submitters: PubMed 26676746 (cited by Institute for Genomic Medicine (IGM) Clinical Laboratory, Nationwide Children's Hospital); PubMed 20126411 (cited by Institute for Genomic Medicine (IGM) Clinical Laboratory, Nationwide Children's Hospital); PubMed 22733026 (cited by Institute for Genomic Medicine (IGM) Clinical Laboratory, Nationwide Children's Hospital); PubMed 27244893 (cited by Institute for Genomic Medicine (IGM) Clinical Laboratory, Nationwide Children's Hospital); PubMed 35159106 (cited by Institute for Genomic Medicine (IGM) Clinical Laboratory, Nationwide Children's Hospital).